The following is an entry in ClinVar:

ClinVar aggregate classification (germline): Uncertain significance. Review status: criteria provided, multiple submitters, no conflicts (2 of 4 stars). 2 submissions from 2 submitters: Uncertain significance (2). Last evaluated 2025-06-24.

Conditions:
Greenberg dysplasia (GRBGD). Also called: CHONDRODYSTROPHY, HYDROPIC AND PRENATALLY LETHAL TYPE; MOTH-EATEN SKELETAL DYSPLASIA; HEM SKELETAL DYSPLASIA. Identifiers: Orphanet 1426, MedGen C2931048, MONDO:0008974, OMIM 215140.

Allele frequency attached by ClinVar (database versions not stated): gnomAD exomes 0.00001 and 0.00003; ExAC 0.00003; gnomAD 0.00003 and 0.00004; TOPMed 0.00004.
gnomAD v4.1: 22 of 1,614,060 alleles (0.0014%); highest among the groups gnomAD compares: African/African-American, 0.0053%; no homozygotes.

Submissions (2):

Labcorp Genetics (formerly Invitae), Labcorp
Classification: Uncertain significance. Last evaluated: 2025-06-24. Review status: criteria provided, single submitter. Criteria: Invitae Variant Classification Sherloc (09022015). Collection method: clinical testing. Allele origin: germline.
Comment: This sequence change replaces arginine, which is basic and polar, with tryptophan, which is neutral and slightly polar, at codon 203 of the LBR protein (p.Arg203Trp). This variant is present in population databases (rs775167348, gnomAD 0.006%). This variant has not been reported in the literature in individuals affected with LBR-related conditions. ClinVar contains an entry for this variant (Variation ID: 295945). Invitae Evidence Modeling of protein sequence and biophysical properties (such as structural, functional, and spatial information, amino acid conservation, physicochemical variation, residue mobility, and thermodynamic stability) indicates that this missense variant is not expected to disrupt LBR protein function with a negative predictive value of 80%. In summary, the available evidence is currently insufficient to determine the role of this variant in disease. Therefore, it has been classified as a Variant of Uncertain Significance.

Illumina Laboratory Services, Illumina
Classification: Uncertain significance for Greenberg dysplasia. Last evaluated: 2018-01-13. Review status: criteria provided, single submitter. Criteria: ICSL Variant Classification Criteria 13 December 2019. Collection method: clinical testing. Allele origin: germline.

NM_002296.4(LBR):c.607C>T (p.Arg203Trp)

Gene: LBR (lamin B receptor; minus strand). Cytogenetic location: 1q42.12.
Variant type: single nucleotide variant.
Coding change: c.607C>T on transcript NM_002296.4 (MANE Select); coding-DNA position 607, C replaced by T.
Protein change: p.Arg203Trp; replaces arginine 203 with tryptophan.
Molecular consequence: missense variant.
Genome position (GRCh38, 1-based): chr1:225,419,296, G>A on the plus strand (C>T on the coding strand, the complement: LBR is on the minus strand). VCF-style: chr1-225419296-G-A. GRCh37 (hg19) VCF-style: chr1-225606998-G-A.
Other names: c.607C>T, p.Arg203Trp (NM_194442.3); short protein forms R203W.
Identifiers: ClinVar variation 295945 (VCV000295945.8), dbSNP rs775167348, ClinGen allele CA1417427.